The following is an entry in ClinVar:

NM_000458.4(HNF1B):c.244G>A (p.Asp82Asn)

Gene: HNF1B (HNF1 homeobox B; minus strand). Cytogenetic location: 17q12.
Variant type: single nucleotide variant.
Coding change: c.244G>A on transcript NM_000458.4 (MANE Select); coding-DNA position 244, G replaced by A.
Protein change: p.Asp82Asn; replaces aspartic acid 82 with asparagine.
Molecular consequence: missense variant.
Genome position (GRCh38, 1-based): chr17:37,744,641, C>T on the plus strand (G>A on the coding strand, the complement: HNF1B is on the minus strand). VCF-style: chr17-37744641-C-T. GRCh37 (hg19) VCF-style: chr17-36104632-C-T.
Other names: c.244G>A, p.Asp82Asn (NM_001165923.4, NM_001304286.2); short protein forms D82N.
Identifiers: ClinVar variation 193101 (VCV000193101.84), dbSNP rs140562402, ClinGen allele CA238611.
Genomic context (GRCh38, chr17:37,744,641, plus strand): 5'-CCTCGGTGTTGAGCGCCTGCAGCTCCTTGAGGATGGGAGGTGTGTCATAGTCGTCGCCGT[C>T]CTCGGAGCCCTCGTCGCCGGACAAGCGGCCCTTGGCGTGGCCGTTGGTGAGAGTATGGAA-3'
Protein context (NP_000449.1, residues 72-92): GRLSGDEGSE[Asp82Asn]GDDYDTPPIL

ClinVar aggregate classification (germline): Conflicting classifications of pathogenicity. Review status: criteria provided, conflicting classifications (1 of 4 stars). 19 submissions from 19 submitters: Uncertain significance (7); Benign (2); Likely benign (6). 4 of the submissions do not count toward it. Last evaluated 2026-01-01.

Conditions:
Autosomal dominant polycystic liver disease. Also called: Congenital cystic disease of liver; Polycystic liver disease. Identifiers: Orphanet 2924, MedGen C0158683, MONDO:0000447, HP:0006557.
Monogenic diabetes. Identifiers: Orphanet 183625, MedGen C3888631, MONDO:0015967.
HNF1B-related disorder. Also called: HNF1B-related condition; HNF1B-related disorders.
Maturity-onset diabetes of the young (MODY). Also called: Maturity onset diabetes mellitus in young. Identifiers: Orphanet 552, MedGen C0342276, MONDO:0018911, HP:0004904.
Renal cysts and diabetes syndrome (RCAD). Also called: MATURITY-ONSET DIABETES OF THE YOUNG, TYPE 5; Familial hypoplastic, glomerulocystic kidney. Identifiers: Orphanet 93111, MedGen C0431693, MONDO:0007669, OMIM 137920.
Type 2 diabetes mellitus. Also called: Type II diabetes mellitus. Identifiers: MedGen C0011860, MeSH D003924, MONDO:0005148, OMIM 125853, HP:0005978.

Allele frequency attached by ClinVar (database versions not stated): 1000 Genomes Project 30x 0.00016; 1000 Genomes Project 0.00020; gnomAD 0.00068; ExAC 0.00069; TOPMed 0.00076; ESP Exome Variant Server 0.00092; gnomAD exomes 0.00096.
gnomAD v4.1: 1,510 of 1,612,540 alleles (0.094%); highest among the groups gnomAD compares: Non-Finnish European, 0.11%; 1 homozygote.

Submissions (19):

CeGaT Center for Human Genetics Tuebingen
Classification: Likely benign. Last evaluated: 2026-01-01. Review status: criteria provided, single submitter. Criteria: CeGaT Center For Human Genetics Tuebingen Variant Classification Criteria Version 2. Collection method: clinical testing. Allele origin: germline. Affected: yes. Observed: 3 variant alleles.
Comment: HNF1B: BS1:Supporting, BS2

Labcorp Genetics (formerly Invitae), Labcorp
Classification: Likely benign. Last evaluated: 2025-12-16. Review status: criteria provided, single submitter. Criteria: Invitae Variant Classification Sherloc (09022015). Collection method: clinical testing. Allele origin: germline.

PreventionGenetics, part of Exact Sciences
Classification: Likely benign for HNF1B-related condition. Last evaluated: 2025-04-24. Review status: criteria provided, single submitter. Criteria: ACMG Guidelines, 2015. Collection method: clinical testing. Allele origin: germline.
Comment: This variant is classified as likely benign based on ACMG/AMP sequence variant interpretation guidelines (Richards et al. 2015 PMID: 25741868, with internal and published modifications).

Laboratory of Genetics, Children's Clinical University Hospital Latvia
Classification: Likely benign. Last evaluated: 2025-02-16. Review status: criteria provided, single submitter. Criteria: ACMG Guidelines, 2015. Collection method: clinical testing. Allele origin: germline. Affected: yes.

Blueprint Genetics
Classification: Likely benign. Last evaluated: 2024-11-27. Review status: criteria provided, single submitter. Criteria: ACMG Guidelines, 2015. Collection method: clinical testing. Allele origin: germline.

GeneDx
Classification: Uncertain significance. Last evaluated: 2024-02-28. Review status: criteria provided, single submitter. Criteria: GeneDx Variant Classification Process June 2021. Collection method: clinical testing. Allele origin: germline. Affected: yes.
Comment: Reported in unrelated patients in published literature, including one individual with hyperuricemia, bilateral renal cysts and dysplasia, and stage 1 chronic kidney disease and an individual whose clinical information was not provided (PMID: 30666461, 31264968); In silico analysis supports that this missense variant has a deleterious effect on protein structure/function; This variant is associated with the following publications: (PMID: 19639018, 26899772, 24897035, 27634015, 31264968, 34426522, 32041611, 30666461, 38025229, 30476936)

Genetic Services Laboratory, University of Chicago
Classification: Uncertain significance. Last evaluated: 2023-04-06. Review status: criteria provided, single submitter. Criteria: ACMG Guidelines, 2015. Collection method: clinical testing. Allele origin: germline. Affected: no.
Comment: DNA sequence analysis of the HNF1B gene demonstrated a sequence change, c.244G>A, in exon 1 that results in an amino acid change, p.Asp82Asn. This sequence change has been previously described in an individual with hyperuricemia, bilateral renal cysts and dysplasia, and stage 1 chronic kidney disease and has also been identified in an individual from a diabetes cohort (PMID: 30666461, 31264968). This sequence change has been described in the gnomAD database with a frequency of 0.06% in the overall population and 0.1% in the Ashkenazi Jewish population (dbSNP rs140562402). The p.Asp82Asn change affects a highly conserved amino acid residue located in a domain of the HNF1B protein that is known to be functional. The p.Asp82Asn substitution appears to be possibly damaging using several in-silico pathogenicity prediction tools (SIFT, PolyPhen2, Align GVGD, REVEL). Due to insufficient evidence and the lack of functional studies, the clinical significance of the p.Asp82Asn change remains unknown at this time.

Revvity Omics, Revvity
Classification: Uncertain significance. Last evaluated: 2022-10-21. Review status: criteria provided, single submitter. Criteria: ACMG Guidelines, 2015. Collection method: clinical testing. Allele origin: germline.

Athena Diagnostics
Classification: Benign. Last evaluated: 2019-12-30. Review status: criteria provided, single submitter. Criteria: Athena Diagnostics Criteria. Collection method: clinical testing. Allele origin: unknown.

Institute of Human Genetics, FAU Erlangen, Friedrich-Alexander-Universität Erlangen-Nürnberg
Classification: Uncertain significance for Renal cysts and diabetes syndrome. Last evaluated: 2019-07-06. Review status: criteria provided, single submitter. Criteria: ACMG Guidelines, 2015. Collection method: literature only. Allele origin: germline. Affected: yes.
Comment: This variant and it's classification has been reported by Vasileiou et al. 2019; DOI:10.1101/576918. The variants has previously been reported in PMID:24897035 as "c.244 G>A p.Asp82Asn" with clinical significance Pathogenic. It has been re-classified using InterVar and manual curation as Uncertain significance based on PM1 PP3 PP5 BP6.

Personalized Diabetes Medicine Program, University of Maryland School of Medicine
Classification: Uncertain significance for Monogenic diabetes. Last evaluated: 2019-01-11. Review status: criteria provided, single submitter. Criteria: ACMG Guidelines, 2015. Collection method: research. Allele origin: unknown. Observed: 1 variant allele, 1 heterozygote.
Comment: ACMG criteria: PP3 (REVEL 0.890 + 7 predictors); PP4 (19639018, 26899772; variant also identified in patient in PMID: 24897035 (no clinical info, can't tell if overlap with other papers); BS2 (12 cases and 15 controls in T2Dgenes); BS1 (MAF in gnomAD EurNF population is 0.09%; 0.14% in ESP European pop)= scores as benign, but going to call as VUS given case reports and predictors (conflicting evidence).

Ambry Genetics
Classification: Likely benign for Maturity-onset diabetes of the young. Last evaluated: 2018-12-20. Review status: criteria provided, single submitter. Criteria: Ambry Variant Classification Scheme 2023. Collection method: clinical testing. Allele origin: germline.

Eurofins Ntd Llc (ga)
Classification: Uncertain significance. Last evaluated: 2018-03-15. Review status: criteria provided, single submitter. Criteria: EGL ClinVar v180209 classification definitions. Collection method: clinical testing. Allele origin: germline. Observed: 9 variant alleles, 9 heterozygotes.

Illumina Laboratory Services, Illumina
Classification: Benign for Renal cysts and diabetes syndrome. Last evaluated: 2018-01-12. Review status: criteria provided, single submitter. Criteria: ICSL Variant Classification Criteria 13 December 2019. Collection method: clinical testing. Allele origin: germline.
Comment: This variant was observed in the ICSL laboratory as part of a predisposition screen in an ostensibly healthy population. It had not been previously curated by ICSL or reported in the Human Gene Mutation Database (HGMD: prior to June 1st, 2018), and was therefore a candidate for classification through an automated scoring system. Utilizing variant allele frequency, disease prevalence and penetrance estimates, and inheritance mode, an automated score was calculated to assess if this variant is too frequent to cause the disease. Based on the score and internal cut-off values, a variant classified as benign is not then subjected to further curation. The score for this variant resulted in a classification of benign for this disease.

Laboratory for Molecular Medicine, Mass General Brigham Personalized Medicine
Classification: Uncertain significance. Last evaluated: 2016-10-27. Review status: criteria provided, single submitter. Criteria: LMM Criteria. Collection method: clinical testing. Allele origin: germline.
Comment: Variant identified in a genome or exome case(s) and assessed due to predicted null impact of the variant or pathogenic assertions in the literature or databases. Disclaimer: This variant has not undergone full assessment. The following are preliminary notes: This variant is classified in HGMD as DM, related to HNF1B-related disease (reported in one patient, phenotype not specified). This variant is classified in ClinVar with 1 star as VUS by Emory. It is present in ExAC with a Max MAF of 0.12%.

Laboratory of Gastroenterology and Hepatology, Radboud University Medical Center
Classification: Uncertain significance for Autosomal dominant polycystic liver disease. Last evaluated: 2021-09-01. Review status: no assertion criteria provided. Collection method: research. Allele origin: germline. Affected: yes. Not counted in ClinVar's aggregate classification.

Genome Diagnostics Laboratory, University Medical Center Utrecht
Classification: Likely benign. Review status: no assertion criteria provided. Collection method: clinical testing. Allele origin: germline. Affected: yes. Study: VKGL Data-share Consensus. Not counted in ClinVar's aggregate classification.

Laboratory of Diagnostic Genome Analysis, Leiden University Medical Center (LUMC)
Classification: Likely benign. Review status: no assertion criteria provided. Collection method: clinical testing. Allele origin: germline. Affected: yes. Study: VKGL Data-share Consensus. Not counted in ClinVar's aggregate classification.

Bioscientia Institut fuer Medizinische Diagnostik GmbH, Sonic Healthcare
Classification: Likely pathogenic for Type 2 diabetes mellitus. Last evaluated: 2025-03-11. Review status: flagged submission. Criteria: ACMG Guidelines, 2015. Collection method: clinical testing. Allele origin: germline. Affected: yes. Not counted in ClinVar's aggregate classification.
ClinVar note: Reason: Outlier claim with insufficient supporting evidence

Literature cited by the submitters: PubMed 24897035 (cited by 4 submitters); PubMed 19639018 (cited by Athena Diagnostics and Personalized Diabetes Medicine Program, University of Maryland School of Medicine); DOI 10.1101/576918 (cited by Institute of Human Genetics, FAU Erlangen, Friedrich-Alexander-Universität Erlangen-Nürnberg); PubMed 26899772 (cited by Personalized Diabetes Medicine Program, University of Maryland School of Medicine).